The following is an entry in ClinVar:

ClinVar aggregate classification (germline): Uncertain significance. Review status: criteria provided, multiple submitters, no conflicts (2 of 4 stars). 2 submissions from 2 submitters: Uncertain significance (2). Last evaluated 2025-08-15.

Conditions:
Cardiomyopathy (CMYO). Also called: Cardiomyopathies. Identifiers: Orphanet 167848, MedGen C0878544, MONDO:0004994, HP:0001638. Inheritance: Various modes of inheritance.
Arrhythmogenic right ventricular cardiomyopathy (ARVD). Also called: Arrhythmogenic right ventricular dysplasia; Cardiomyopathy, ARVC; Arrhythmogenic cardiomyopathy; Arrhythmogenic Right Ventricular Cardiomyopathy (ARVC). Identifiers: Orphanet 247, MedGen C0349788, MeSH D019571, MONDO:0016587. Disease mechanism: loss of function. Inheritance: Various modes of inheritance.

Allele frequency attached by ClinVar (database versions not stated): TOPMed 0.00001.

Submissions (2):

Color Diagnostics, LLC DBA Color Health
Classification: Uncertain significance for Cardiomyopathy. Last evaluated: 2025-08-15. Review status: criteria provided, single submitter. Criteria: ACMG Guidelines, 2015. Collection method: clinical testing. Allele origin: germline.
Comment: This missense variant replaces serine with phenylalanine at codon 132 of the PKP2 protein. Computational prediction suggests that this variant may not impact protein structure and function. To our knowledge, functional studies have not been reported for this variant. This variant has not been reported in individuals affected with PKP2-related disorders in the literature. This variant has not been identified in the general population by the Genome Aggregation Database (gnomAD). The available evidence is insufficient to determine the role of this variant in disease conclusively. Therefore, this variant is classified as a Variant of Uncertain Significance.

All of Us Research Program, National Institutes of Health
Classification: Uncertain significance for Arrhythmogenic right ventricular cardiomyopathy. Last evaluated: 2023-06-26. Review status: criteria provided, single submitter. Criteria: ACMG Guidelines, 2015. Collection method: clinical testing. Allele origin: germline. Inheritance: Autosomal dominant inheritance. Observed: 1 variant allele, 1 heterozygote.
Comment: This missense variant replaces serine with phenylalanine at codon 132 of the PKP2 protein. Computational prediction suggests that this variant may not impact protein structure and function (internally defined REVEL score threshold <= 0.5, PMID: 27666373). To our knowledge, functional studies have not been reported for this variant. This variant has not been reported in individuals affected with PKP2-related disorders in the literature. This variant has not been identified in the general population by the Genome Aggregation Database (gnomAD). The available evidence is insufficient to determine the role of this variant in disease conclusively. Therefore, this variant is classified as a Variant of Uncertain Significance.

This study involves interpretation of variants in research participants for the purpose of population health screening. Participant phenotype was not available at the time of variant classification. Additional details can be found in publication PMID: 35346344, PMCID: PMC8962531

NM_001005242.3(PKP2):c.395C>T (p.Ser132Phe)

Gene: PKP2 (plakophilin 2; minus strand). Cytogenetic location: 12p11.21.
Variant type: single nucleotide variant.
Coding change: c.395C>T on transcript NM_001005242.3 (MANE Select); coding-DNA position 395, C replaced by T.
Protein change: p.Ser132Phe; replaces serine 132 with phenylalanine.
Molecular consequence: missense variant.
Genome position (GRCh38, 1-based): chr12:32,878,485, G>A on the plus strand (C>T on the coding strand, the complement: PKP2 is on the minus strand). VCF-style: chr12-32878485-G-A. GRCh37 (hg19) VCF-style: chr12-33031419-G-A.
Other names: c.395C>T, p.Ser132Phe (NM_001407156.1, NM_001407157.1, NM_001407161.1 and 2 more transcripts); c.68C>T, p.Ser23Phe (NM_001407158.1, NM_001407159.1, NM_001407160.1 and 1 more transcripts); short protein forms S132F, S23F.
Identifiers: ClinVar variation 3072163 (VCV003072163.2), dbSNP rs765241754, ClinGen allele CA384365395.
Genomic context (GRCh38, chr12:32,878,485, plus strand): 5'-GGAGAAATCTCCAGTCTCCTCAGAGGATGCCTCAAGGACCTTTCTTCCACGGACTTCTGG[G>A]AGCTGTACTGTGCTGTTCCTCTTCCCCAGCGACCTTCATAAGTGGCAGTTGTGCCAGCCT-3'
Protein context (NP_001005242.2, residues 122-142): RWGRGTAQYS[Ser132Phe]QKSVEERSLR